The following is an entry in ClinVar:

ClinVar aggregate classification (germline): Pathogenic (1 of 4 stars; one submission).

Conditions:
Hereditary hemochromatosis (HFE). Identifiers: MedGen C0392514, MONDO:0006507. Disease mechanism: loss of function.

Submission:

Labcorp Genetics (formerly Invitae), Labcorp
Classification: Pathogenic for Hereditary hemochromatosis. Last evaluated: 2023-08-07. Review status: criteria provided, single submitter. Criteria: Invitae Variant Classification Sherloc (09022015). Collection method: clinical testing. Allele origin: germline.
Comment: This sequence change creates a premature translational stop signal (p.Arg252Profs*25) in the TFR2 gene. It is expected to result in an absent or disrupted protein product. Loss-of-function variants in TFR2 are known to be pathogenic (PMID: 23600741, 26029709). This variant is not present in population databases (gnomAD no frequency). This variant has not been reported in the literature in individuals affected with TFR2-related conditions. For these reasons, this variant has been classified as Pathogenic.

Literature cited by the submitters: PubMed 23600741; PubMed 26029709.

NM_003227.4(TFR2):c.753_756del (p.Arg252fs)

Gene: TFR2 (transferrin receptor 2; minus strand). Cytogenetic location: 7q22.1.
Variant type: Deletion.
Coding change: c.753_756del on transcript NM_003227.4 (MANE Select); coding-DNA positions 753 to 756, 4 bases deleted (GCGG; older notation c.753_756delGCGG).
Protein change: p.Arg252fs; shifts the reading frame from arginine 252.
Molecular consequence: frameshift variant.
Genome position (GRCh38, 1-based): chr7:100,633,094-100,633,097, CCGC deleted on the plus strand (GCGG on the coding strand, the reverse complement: TFR2 is on the minus strand); deleting any 4 consecutive bases within chr7:100,633,094-100,633,100 gives the same sequence; the c. name uses the placement nearest the transcript's 3' end. VCF-style (leftmost placement, unchanged base first): chr7-100633093-GCCGC-G. GRCh37 (hg19) VCF-style: chr7-100230716-GCCGC-G.
Other names: c.240_243del, p.Arg81fs (NM_001206855.3); short protein forms R81fs, R252fs.
Identifiers: ClinVar variation 2749051 (VCV002749051.3), dbSNP rs2486133665, ClinGen allele CA2697557467.
Genomic context (GRCh38, chr7:100,633,093, plus strand): 5'-CCAGCAGCAGGCGGCCCACTGGATCCACGCCCCTGGCCCGCAGGTCCTGCAGGTCTTCGG[GCCGC>G]CCGTAGTGGGCGTACACCAGCTCTCCCTGGGGACACGAGGACGGTGAGGCGCGCTCCCCG-3'